The following is an entry in ClinVar:

ClinVar aggregate classification (germline): Conflicting classifications of pathogenicity. Review status: criteria provided, conflicting classifications (1 of 4 stars). 6 submissions from 6 submitters: Likely pathogenic (2); Uncertain significance (4). Last evaluated 2025-08-21.

Conditions:
Familial thoracic aortic aneurysm and aortic dissection (TAAD). Also called: Thoracic aortic aneurysms and dissections. Identifiers: Orphanet 91387, MedGen C4707243, MONDO:0019625.
Hereditary disorder of connective tissue. Also called: Hereditary connective tissue disorder. Identifiers: MedGen C0410787, MONDO:0023603.
Rienhoff syndrome. Also called: LOEYS-DIETZ SYNDROME 5. Identifiers: MedGen C3810012, MONDO:0014262, OMIM 615582.

Submissions (6):

Ambry Genetics
Classification: Uncertain significance for Familial thoracic aortic aneurysm and aortic dissection. Last evaluated: 2025-08-21. Review status: criteria provided, single submitter. Criteria: Ambry Variant Classification Scheme 2023. Collection method: clinical testing. Allele origin: germline.
Comment: The c.1080G>A variant (also known as p.T360T) is located in coding exon 6 of the TGFB3 gene. This variant results from a G to A substitution at nucleotide position 1080. This nucleotide substitution does not change the amino acid at codon 360. However, this change occurs in the last base pair of coding exon 6, which makes it likely to have some effect on normal mRNA splicing. This variant was reported in individual(s) with vascular aneurysm (Ambry internal data). This nucleotide position is highly conserved in available vertebrate species. In silico splice site analysis predicts that this alteration will weaken the native splice donor site. Based on the available evidence, the clinical significance of this variant remains unclear.

Labcorp Genetics (formerly Invitae), Labcorp
Classification: Uncertain significance for Rienhoff syndrome. Last evaluated: 2025-03-26. Review status: criteria provided, single submitter. Criteria: Invitae Variant Classification Sherloc (09022015). Collection method: clinical testing. Allele origin: germline.
Comment: This sequence change affects codon 360 of the TGFB3 mRNA. It is a 'silent' change, meaning that it does not change the encoded amino acid sequence of the TGFB3 protein. This variant also falls at the last nucleotide of exon 6, which is part of the consensus splice site for this exon. This variant is not present in population databases (gnomAD no frequency). This variant has been observed in individuals with clinical features of Loeys Dietz syndrome (internal data). ClinVar contains an entry for this variant (Variation ID: 568400). Variants that disrupt the consensus splice site are a relatively common cause of aberrant splicing (PMID: 17576681, 9536098). Algorithms developed to predict the effect of sequence changes on RNA splicing suggest that this variant may disrupt the consensus splice site. In summary, the available evidence is currently insufficient to determine the role of this variant in disease. Therefore, it has been classified as a Variant of Uncertain Significance.

Greenwood Genetic Center Diagnostic Laboratories, Greenwood Genetic Center
Classification: Uncertain significance. Last evaluated: 2024-11-25. Review status: criteria provided, single submitter. Criteria: ACMG Guidelines, 2015. Collection method: clinical testing. Allele origin: germline. Affected: yes.
Comment: PM2, PP3

Molecular Genetics, Royal Melbourne Hospital
Classification: Uncertain significance for Hereditary disorder of connective tissue. Last evaluated: 2024-11-04. Review status: criteria provided, single submitter. Criteria: ACMG Guidelines, 2015. Collection method: clinical testing. Allele origin: germline. Inheritance: Autosomal dominant inheritance. Affected: yes.
Comment: This sequence change is a synonymous (silent) variant in the last nucleotide of exon 6 of TGFB3. The results from an in silico splicing predictor (SpliceAI) indicate that this variant may impact splicing by disrupting the donor splice site of intron 6 of TGFB3. RNA assays have not been conducted to confirm this prediction. This variant is absent from the population database gnomAD v4.1.0. This variant has conflicting reports in ClinVar (ClinVar ID: 568400). It has been detected in multiple unrelated individuals with connective tissue disorders with variable expressivity and at least one individual who is asymptomatic (Labcorp Genetics (Invitae), GeneDx, CHEO Genetics Diagnostic Laboratory). Based on the classification scheme RMH Modified ACMG/AMP Guidelines v1.7.0, this variant is classified as a VARIANT OF UNCERTAIN SIGNIFICANCE. Following criteria are met: PM2_Supporting, PP3.

CHEO Genetics Diagnostic Laboratory, Children's Hospital of Eastern Ontario
Classification: Likely pathogenic for Familial thoracic aortic aneurysm and aortic dissection. Last evaluated: 2022-03-28. Review status: criteria provided, single submitter. Criteria: ACMG Guidelines, 2015. Collection method: clinical testing. Allele origin: germline.

GeneDx
Classification: Likely pathogenic. Last evaluated: 2022-02-21. Review status: criteria provided, single submitter. Criteria: GeneDx Variant Classification Process June 2021. Collection method: clinical testing. Allele origin: germline. Affected: yes.
Comment: Has not been previously published as pathogenic or benign to our knowledge; Not observed at significant frequency in large population cohorts (gnomAD); Alters the last nucleotide of the exon and is predicted to destroy the splice donor site and result in aberrant splicing, although in the absence of functional evidence the actual effect of this sequence change is unknown

Literature cited by the submitters: PubMed 17576681 (cited by Labcorp Genetics (formerly Invitae), Labcorp); PubMed 9536098 (cited by Labcorp Genetics (formerly Invitae), Labcorp).

NM_003239.5(TGFB3):c.1080G>A (p.Thr360=)

Gene: TGFB3 (transforming growth factor beta 3; minus strand). Cytogenetic location: 14q24.3.
Variant type: single nucleotide variant.
Coding change: c.1080G>A on transcript NM_003239.5 (MANE Select); coding-DNA position 1080, G replaced by A.
Protein change: p.Thr360=; no amino-acid change (threonine 360 retained).
Molecular consequence: synonymous variant.
Genome position (GRCh38, 1-based): chr14:75,960,923, C>T on the plus strand (G>A on the coding strand, the complement: TGFB3 is on the minus strand). VCF-style: chr14-75960923-C-T. GRCh37 (hg19) VCF-style: chr14-76427266-C-T.
Other names: c.1080G>A, p.Thr360= (NM_001329939.2).
Identifiers: ClinVar variation 568400 (VCV000568400.18), dbSNP rs1555360212, ClinGen allele CA487188907.